The following is an entry in ClinVar:

ClinVar aggregate classification (germline): Uncertain significance (1 of 4 stars; one submission).

gnomAD v4.1: 7 of 1,609,410 alleles (0.00043%); highest among the groups gnomAD compares: African/African-American, 0.0027%; no homozygotes.

Submission:

Labcorp Genetics (formerly Invitae), Labcorp
Classification: Uncertain significance. Last evaluated: 2021-11-18. Review status: criteria provided, single submitter. Criteria: Invitae Variant Classification Sherloc (09022015). Collection method: clinical testing. Allele origin: germline.
Comment: This sequence change replaces alanine, which is neutral and non-polar, with threonine, which is neutral and polar, at codon 21 of the PEX11B protein (p.Ala21Thr). This variant is present in population databases (rs144931265, gnomAD 0.008%). This variant has not been reported in the literature in individuals affected with PEX11B-related conditions. Algorithms developed to predict the effect of missense changes on protein structure and function are either unavailable or do not agree on the potential impact of this missense change (SIFT: "Tolerated"; PolyPhen-2: "Possibly Damaging"; Align-GVGD: "Class C0"). In summary, the available evidence is currently insufficient to determine the role of this variant in disease. Therefore, it has been classified as a Variant of Uncertain Significance.

NM_003846.3(PEX11B):c.61G>A (p.Ala21Thr)

Gene: PEX11B (peroxisomal biogenesis factor 11 beta; minus strand). Cytogenetic location: 1q21.1.
Variant type: single nucleotide variant.
Coding change: c.61G>A on transcript NM_003846.3 (MANE Select); coding-DNA position 61, G replaced by A.
Protein change: p.Ala21Thr; replaces alanine 21 with threonine.
Molecular consequence: missense variant. On other transcripts: non-coding transcript variant (2).
Genome position (GRCh38, 1-based): chr1:145,917,812, C>T on the plus strand (G>A on the coding strand, the complement: PEX11B is on the minus strand). VCF-style: chr1-145917812-C-T. GRCh37 (hg19) VCF-style: chr1-145517277-G-A.
Other names: c.19G>A, p.Ala7Thr (NM_001184795.1); short protein forms A21T, A7T.
Identifiers: ClinVar variation 1523793 (VCV001523793.3), dbSNP rs144931265, ClinGen allele CA1055496.